The following is an entry in ClinVar:

ClinVar aggregate classification (germline): Uncertain significance (1 of 4 stars; one submission).

Conditions:
Muscular dystrophy-dystroglycanopathy (congenital with brain and eye anomalies), type A2. Also called: MUSCULAR DYSTROPHY-DYSTROGLYCANOPATHY (CONGENITAL WITH BRAIN AND EYE ANOMALIES), TYPE A, 2; WALKER-WARBURG SYNDROME OR MUSCLE-EYE-BRAIN DISEASE, POMT2-RELATED. Identifiers: Orphanet 588, Orphanet 899, MedGen C3150411, MONDO:0013154, OMIM 613150.
Muscular dystrophy-dystroglycanopathy (congenital with impaired intellectual development), type B, 2. Also called: Muscular dystrophy-dystroglycanopathy (congenital with intellectual disability), type B2; MUSCULAR DYSTROPHY, CONGENITAL, POMT2-RELATED. Identifiers: MedGen C3150416, MONDO:0013160, OMIM 613156.
Autosomal recessive limb-girdle muscular dystrophy type 2N. Also called: Muscular dystrophy-dystroglycanopathy (limb-girdle), type C, 2; MUSCULAR DYSTROPHY-DYSTROGLYCANOPATHY, LIMB-GIRDLE, POMT2-RELATED. Identifiers: Orphanet 206559, MedGen C3150418, MONDO:0013162, OMIM 613158.

Allele frequency attached by ClinVar (database versions not stated): gnomAD 0.00001.
gnomAD v4.1: 3 of 1,609,558 alleles (0.00019%); highest among the groups gnomAD compares: African/African-American, 0.0013%; no homozygotes.

Submission:

Labcorp Genetics (formerly Invitae), Labcorp
Classification: Uncertain significance for Muscular dystrophy-dystroglycanopathy (congenital with impaired intellectual development), type B, 2; Muscular dystrophy-dystroglycanopathy (congenital with brain and eye anomalies), type A2; Autosomal recessive limb-girdle muscular dystrophy type 2N. Last evaluated: 2019-04-10. Review status: criteria provided, single submitter. Criteria: Invitae Variant Classification Sherloc (09022015). Collection method: clinical testing. Allele origin: germline.
Comment: Algorithms developed to predict the effect of missense changes on protein structure and function (SIFT, PolyPhen-2, Align-GVGD) all suggest that this variant is likely to be disruptive, but these predictions have not been confirmed by published functional studies and their clinical significance is uncertain. In summary, the available evidence is currently insufficient to determine the role of this variant in disease. Therefore, it has been classified as a Variant of Uncertain Significance. This variant has not been reported in the literature in individuals with POMT2-related conditions. This variant is not present in population databases (ExAC no frequency). This sequence change replaces tyrosine with serine at codon 354 of the POMT2 protein (p.Tyr354Ser). The tyrosine residue is highly conserved and there is a large physicochemical difference between tyrosine and serine.

NM_013382.7(POMT2):c.1061A>C (p.Tyr354Ser)

Gene: POMT2 (protein O-mannosyltransferase 2; minus strand). Cytogenetic location: 14q24.3.
Variant type: single nucleotide variant.
Coding change: c.1061A>C on transcript NM_013382.7 (MANE Select); coding-DNA position 1061, A replaced by C.
Protein change: p.Tyr354Ser; replaces tyrosine 354 with serine.
Molecular consequence: missense variant.
Genome position (GRCh38, 1-based): chr14:77,296,219, T>G on the plus strand (A>C on the coding strand, the complement: POMT2 is on the minus strand). VCF-style: chr14-77296219-T-G. GRCh37 (hg19) VCF-style: chr14-77762562-T-G.
Other names: short protein forms Y354S.
Identifiers: ClinVar variation 948602 (VCV000948602.8), dbSNP rs751206357, ClinGen allele CA390519539.